The following is an entry in ClinVar:

ClinVar aggregate classification (germline): Pathogenic (1 of 4 stars; one submission).

Conditions:
Progressive myoclonic epilepsy. Also called: Familial progressive myoclonic epilepsy; Myoclonic Epilepsies, Progressive; Myoclonus epilepsy; Progressive myoclonus epilepsy. Identifiers: Orphanet 308, Orphanet 98261, MedGen C0751778, MONDO:0020074.

Submission:

Labcorp Genetics (formerly Invitae), Labcorp
Classification: Pathogenic for Progressive myoclonic epilepsy. Last evaluated: 2022-07-30. Review status: criteria provided, single submitter. Criteria: Invitae Variant Classification Sherloc (09022015). Collection method: clinical testing. Allele origin: germline.
Comment: This variant is not present in population databases (gnomAD no frequency). For these reasons, this variant has been classified as Pathogenic. Algorithms developed to predict the effect of sequence changes on RNA splicing suggest that this variant may disrupt the consensus splice site. Disruption of this splice site has been observed in individual(s) with Lafora disease (PMID: 32342326, 34117373). In at least one individual the data is consistent with being in trans (on the opposite chromosome) from a pathogenic variant. This sequence change affects a donor splice site in intron 1 of the EPM2A gene. It is expected to disrupt RNA splicing. Variants that disrupt the donor or acceptor splice site typically lead to a loss of protein function (PMID: 16199547), and loss-of-function variants in EPM2A are known to be pathogenic (PMID: 20738377).

Literature cited by the submitters: PubMed 32342326; PubMed 34117373; PubMed 16199547; PubMed 20738377.

NM_005670.4(EPM2A):c.301+2T>C

Genes: EPM2A (EPM2A glucan phosphatase, laforin; minus strand), EPM2A-DT (EPM2A divergent transcript; plus strand), LOC129997381 (ATAC-STARR-seq lymphoblastoid silent region 17642; plus strand). Cytogenetic location: 6q24.3.
Variant type: single nucleotide variant.
Coding change: c.301+2T>C on transcript NM_005670.4 (MANE Select); the canonical splice donor site of the intron after coding-DNA position 301, T replaced by C.
Molecular consequence: splice donor variant. On other transcripts: intron variant (2).
Genome position (GRCh38, 1-based): chr6:145,735,196, A>G on the plus strand (T>C on the coding strand, the complement: EPM2A is on the minus strand). VCF-style: chr6-145735196-A-G. GRCh37 (hg19) VCF-style: chr6-146056332-A-G.
Other names: c.-114+712T>C (NM_001360064.2); c.-114+49T>C (NM_001368131.1); c.301+2T>C (NM_001360057.2, NM_001018041.2, NM_001368130.1); c.-323+2T>C (NM_001368129.2); c.-369+2T>C (NM_001360071.2).
Identifiers: ClinVar variation 2020620 (VCV002020620.4), dbSNP rs2534171587, ClinGen allele CA366187828.